The following is an entry in ClinVar:

ClinVar aggregate classification (germline): Uncertain significance. Review status: criteria provided, multiple submitters, no conflicts (2 of 4 stars). 2 submissions from 2 submitters: Uncertain significance (2). Last evaluated 2026-04-23.

Conditions:
Hereditary cancer-predisposing syndrome. Also called: Tumor predisposition; Neoplastic Syndromes, Hereditary; Hereditary Cancer Syndrome; Hereditary neoplastic syndrome. Identifiers: Orphanet 140162, MedGen C0027672, MeSH D009386, MONDO:0015356.
Ataxia-telangiectasia syndrome (AT). Also called: Ataxia-telangiectasia, complementation group D; ATAXIA-TELANGIECTASIA, COMPLEMENTATION GROUP A; ATAXIA-TELANGIECTASIA, FRESNO VARIANT; Ataxia-telangiectasia; AT, COMPLEMENTATION GROUP C; LOUIS-BAR SYNDROME. Identifiers: Orphanet 100, MedGen C0004135, MONDO:0008840, OMIM 208900.

Submissions (2):

Ambry Genetics
Classification: Uncertain significance for Hereditary cancer-predisposing syndrome. Last evaluated: 2026-04-23. Review status: criteria provided, single submitter. Criteria: Ambry Variant Classification Scheme 2023. Collection method: clinical testing. Allele origin: germline.
Comment: The p.D479A variant (also known as c.1436A>C), located in coding exon 9 of the ATM gene, results from an A to C substitution at nucleotide position 1436. The aspartic acid at codon 479 is replaced by alanine, an amino acid with dissimilar properties. This amino acid position is not well conserved in available vertebrate species. In addition, this alteration is predicted to be tolerated by in silico analysis. Based on the available evidence, the clinical significance of this variant remains unclear.

Labcorp Genetics (formerly Invitae), Labcorp
Classification: Uncertain significance for Ataxia-telangiectasia syndrome. Last evaluated: 2021-09-24. Review status: criteria provided, single submitter. Criteria: Invitae Variant Classification Sherloc (09022015). Collection method: clinical testing. Allele origin: germline.
Comment: In summary, the available evidence is currently insufficient to determine the role of this variant in disease. Therefore, it has been classified as a Variant of Uncertain Significance. Advanced modeling of protein sequence and biophysical properties (such as structural, functional, and spatial information, amino acid conservation, physicochemical variation, residue mobility, and thermodynamic stability) performed at Invitae indicates that this missense variant is not expected to disrupt ATM protein function. This variant has not been reported in the literature in individuals affected with ATM-related conditions. This variant is not present in population databases (ExAC no frequency). This sequence change replaces aspartic acid with alanine at codon 479 of the ATM protein (p.Asp479Ala). The aspartic acid residue is moderately conserved and there is a moderate physicochemical difference between aspartic acid and alanine.

NM_000051.4(ATM):c.1436A>C (p.Asp479Ala)

Gene: ATM (ATM serine/threonine kinase; plus strand). Cytogenetic location: 11q22.3.
Variant type: single nucleotide variant.
Coding change: c.1436A>C on transcript NM_000051.4 (MANE Select); coding-DNA position 1436, A replaced by C.
Protein change: p.Asp479Ala; replaces aspartic acid 479 with alanine.
Molecular consequence: missense variant.
Genome position (GRCh38, 1-based): chr11:108,250,901, A>C. VCF-style: chr11-108250901-A-C. GRCh37 (hg19) VCF-style: chr11-108121628-A-C.
Other names: c.1436A>C, p.Asp479Ala (NM_001351834.2); c.1436A>C (NM_000051.3); short protein forms D479A.
Identifiers: ClinVar variation 1461557 (VCV001461557.7), dbSNP rs1555070958, ClinGen allele CA382534064.